The following is an entry in ClinVar:

ClinVar aggregate classification (germline): Uncertain significance (1 of 4 stars; one submission).

Allele frequency attached by ClinVar (database versions not stated): TOPMed below 0.00001; ExAC 0.00001.
gnomAD v4.1: 6 of 1,614,130 alleles (0.00037%); highest among the groups gnomAD compares: South Asian, 0.0044%; no homozygotes.

Submission:

Ambry Genetics
Classification: Uncertain significance. Last evaluated: 2022-11-24. Review status: criteria provided, single submitter. Criteria: Ambry Variant Classification Scheme 2023. Collection method: clinical testing. Allele origin: germline.
Comment: The p.S923P variant (also known as c.2767T>C), located in coding exon 13 of the NPAT gene, results from a T to C substitution at nucleotide position 2767. The serine at codon 923 is replaced by proline, an amino acid with similar properties. This amino acid position is conserved. In addition, the in silico prediction for this alteration is inconclusive. Since supporting evidence is limited at this time, the clinical significance of this alteration remains unclear.

NM_002519.3(NPAT):c.2767T>C (p.Ser923Pro)

Gene: NPAT (nuclear protein, coactivator of histone transcription; minus strand). Cytogenetic location: 11q22.3.
Variant type: single nucleotide variant.
Coding change: c.2767T>C on transcript NM_002519.3 (MANE Select); coding-DNA position 2767, T replaced by C.
Protein change: p.Ser923Pro; replaces serine 923 with proline.
Molecular consequence: missense variant.
Genome position (GRCh38, 1-based): chr11:108,172,217, A>G on the plus strand (T>C on the coding strand, the complement: NPAT is on the minus strand). VCF-style: chr11-108172217-A-G. GRCh37 (hg19) VCF-style: chr11-108042944-A-G.
Other names: c.2767T>C, p.Ser923Pro (NM_001321307.1); short protein forms S923P.
Identifiers: ClinVar variation 2447460 (VCV002447460.2), dbSNP rs745781114, ClinGen allele CA6263767.